The following is an entry in ClinVar:

NM_000038.6(APC):c.2320G>C (p.Asp774His)

Gene: APC (APC regulator of Wnt signaling pathway; plus strand). Cytogenetic location: 5q22.2.
Variant type: single nucleotide variant.
Coding change: c.2320G>C on transcript NM_000038.6 (MANE Select); coding-DNA position 2320, G replaced by C.
Protein change: p.Asp774His; replaces aspartic acid 774 with histidine.
Molecular consequence: missense variant.
Genome position (GRCh38, 1-based): chr5:112,837,914, G>C. VCF-style: chr5-112837914-G-C. GRCh37 (hg19) VCF-style: chr5-112173611-G-C.
Other names: c.2320G>C, p.Asp774His (NM_001127510.3, NM_001354895.2); c.2266G>C, p.Asp756His (NM_001127511.3); c.2374G>C, p.Asp792His (NM_001354896.2); c.2350G>C, p.Asp784His (NM_001354897.2); c.2245G>C, p.Asp749His (NM_001354898.2); c.2236G>C, p.Asp746His (NM_001354899.2); c.2197G>C, p.Asp733His (NM_001354900.2); c.2143G>C, p.Asp715His (NM_001354901.2); and 5 more; short protein forms D774H, D756H, D614H, D491H, D715H, D673H, D733H, D746H.
Identifiers: ClinVar variation 574797 (VCV000574797.16), dbSNP rs1561576132, ClinGen allele CA16026419.

ClinVar aggregate classification (germline): Uncertain significance. Review status: criteria provided, multiple submitters, no conflicts (2 of 4 stars). 4 submissions from 4 submitters: Uncertain significance (4). Last evaluated 2024-11-12.

Conditions:
Familial adenomatous polyposis 1 (FAP1). Also called: POLYPOSIS, ADENOMATOUS INTESTINAL; FAMILIAL ADENOMATOUS POLYPOSIS 1, ATTENUATED. Identifiers: MedGen C2713442, MONDO:0021056, OMIM 175100. Disease mechanism: loss of function.
Hereditary cancer-predisposing syndrome. Also called: Neoplastic Syndromes, Hereditary; Hereditary Cancer Syndrome; Tumor predisposition; Hereditary neoplastic syndrome. Identifiers: Orphanet 140162, MedGen C0027672, MeSH D009386, MONDO:0015356.

Submissions (4):

Ambry Genetics
Classification: Uncertain significance for Hereditary cancer-predisposing syndrome. Last evaluated: 2024-11-12. Review status: criteria provided, single submitter. Criteria: Ambry Variant Classification Scheme 2023. Collection method: clinical testing. Allele origin: germline.
Comment: The p.D774H variant (also known as c.2320G>C), located in coding exon 15 of the APC gene, results from a G to C substitution at nucleotide position 2320. The aspartic acid at codon 774 is replaced by histidine, an amino acid with similar properties. This amino acid position is highly conserved in available vertebrate species. In addition, in silico predictors for this gene do not accurately predict pathogenicity. Based on the available evidence, the clinical significance of this variant remains unclear.

GeneDx
Classification: Uncertain significance. Last evaluated: 2023-04-19. Review status: criteria provided, single submitter. Criteria: GeneDx Variant Classification Process June 2021. Collection method: clinical testing. Allele origin: germline. Affected: yes.
Comment: Not observed at significant frequency in large population cohorts (gnomAD); In silico analysis supports that this missense variant has a deleterious effect on protein structure/function; Has not been previously published as pathogenic or benign to our knowledge

Labcorp Genetics (formerly Invitae), Labcorp
Classification: Uncertain significance for Familial adenomatous polyposis 1. Last evaluated: 2023-03-13. Review status: criteria provided, single submitter. Criteria: Invitae Variant Classification Sherloc (09022015). Collection method: clinical testing. Allele origin: germline.
Comment: Advanced modeling of protein sequence and biophysical properties (such as structural, functional, and spatial information, amino acid conservation, physicochemical variation, residue mobility, and thermodynamic stability) performed at Invitae indicates that this missense variant is not expected to disrupt APC protein function. This sequence change replaces aspartic acid, which is acidic and polar, with histidine, which is basic and polar, at codon 774 of the APC protein (p.Asp774His). This variant is not present in population databases (gnomAD no frequency). This variant has not been reported in the literature in individuals affected with APC-related conditions. ClinVar contains an entry for this variant (Variation ID: 574797). In summary, the available evidence is currently insufficient to determine the role of this variant in disease. Therefore, it has been classified as a Variant of Uncertain Significance.

Color Diagnostics, LLC DBA Color Health
Classification: Uncertain significance for Hereditary cancer-predisposing syndrome. Last evaluated: 2019-01-09. Review status: criteria provided, single submitter. Criteria: ACMG Guidelines, 2015. Collection method: clinical testing. Allele origin: germline.